The following is an entry in ClinVar:

NM_033026.6(PCLO):c.10534A>G (p.Lys3512Glu)

Gene: PCLO (piccolo presynaptic cytomatrix protein; minus strand). Cytogenetic location: 7q21.11.
Variant type: single nucleotide variant.
Coding change: c.10534A>G on transcript NM_033026.6 (MANE Select); coding-DNA position 10534, A replaced by G.
Protein change: p.Lys3512Glu; replaces lysine 3512 with glutamic acid.
Molecular consequence: missense variant.
Genome position (GRCh38, 1-based): chr7:82,950,054, T>C on the plus strand (A>G on the coding strand, the complement: PCLO is on the minus strand). VCF-style: chr7-82950054-T-C. GRCh37 (hg19) VCF-style: chr7-82579370-T-C.
Other names: c.10534A>G, p.Lys3512Glu (NM_014510.3); short protein forms K3512E.
Identifiers: ClinVar variation 1448891 (VCV001448891.8), dbSNP rs1795298761, ClinGen allele CA367903029.

ClinVar aggregate classification (germline): Uncertain significance (1 of 4 stars; one submission).

Allele frequency attached by ClinVar (database versions not stated): gnomAD exomes below 0.00001; gnomAD 0.00001.
gnomAD v4.1: 2 of 1,612,580 alleles (0.00012%); highest among the groups gnomAD compares: Non-Finnish European, 0.000085%; no homozygotes.

Submission:

Labcorp Genetics (formerly Invitae), Labcorp
Classification: Uncertain significance. Last evaluated: 2025-10-13. Review status: criteria provided, single submitter. Criteria: Invitae Variant Classification Sherloc (09022015). Collection method: clinical testing. Allele origin: germline.
Comment: This sequence change replaces lysine, which is basic and polar, with glutamic acid, which is acidic and polar, at codon 3512 of the PCLO protein (p.Lys3512Glu). This variant is not present in population databases (gnomAD no frequency). This variant has not been reported in the literature in individuals affected with PCLO-related conditions. ClinVar contains an entry for this variant (Variation ID: 1448891). Experimental studies and prediction algorithms are not available or were not evaluated, and the functional significance of this variant is currently unknown. In summary, the available evidence is currently insufficient to determine the role of this variant in disease. Therefore, it has been classified as a Variant of Uncertain Significance.